The following is an entry in ClinVar:

ClinVar aggregate classification (germline): Uncertain significance (1 of 4 stars; one submission).

Conditions:
Hereditary cancer-predisposing syndrome. Also called: Neoplastic Syndromes, Hereditary; Hereditary Cancer Syndrome; Hereditary neoplastic syndrome; Tumor predisposition. Identifiers: Orphanet 140162, MedGen C0027672, MeSH D009386, MONDO:0015356.

Submission:

Ambry Genetics
Classification: Uncertain significance for Hereditary cancer-predisposing syndrome. Last evaluated: 2026-03-17. Review status: criteria provided, single submitter. Criteria: Ambry Variant Classification Scheme 2023. Collection method: clinical testing. Allele origin: germline.
Comment: The c.1708dupC variant, located in coding exon 11 of the FLCN gene, results from a duplication of C at nucleotide position 1708, causing a translational frameshift with a predicted alternate stop codon (p.R570Pfs*32). This variant occurs at the 3' terminus of the gene, is not expected to trigger nonsense-mediated mRNA decay and results in the elongation of the protein by 21 amino acids. This frameshift impacts the last 10 amino acids of the native protein. The exact functional effect of the altered amino acids is unknown. Based on the available evidence, the clinical significance of this variant remains unclear.

NM_144997.7(FLCN):c.1708dup (p.Arg570fs)

Gene: FLCN (folliculin; minus strand). Cytogenetic location: 17p11.2.
Variant type: Duplication.
Coding change: c.1708dup on transcript NM_144997.7 (MANE Select); coding-DNA position 1708, one base duplicated (C; older notation c.1708dupC).
Protein change: p.Arg570fs; shifts the reading frame from arginine 570.
Molecular consequence: frameshift variant.
Genome position (GRCh38, 1-based): chr17:17,213,687, G duplicated on the plus strand (C on the coding strand, the reverse complement: FLCN is on the minus strand); the first of 2 consecutive G bases (chr17:17,213,687-17,213,688); duplicating either gives the same sequence. VCF-style (leftmost placement, unchanged base first): chr17-17213686-C-CG. GRCh37 (hg19) VCF-style: chr17-17117000-C-CG.
Other names: c.1708dupC (NM_144997.5); c.1762dup, p.Arg588fs (NM_001353229.2); c.1708dup, p.Arg570fs (NM_001353230.2, NM_001353231.2); short protein forms R570fs, R588fs.
Identifiers: ClinVar variation 4871369 (VCV004871369.1).